The following is an entry in ClinVar:

NM_001042545.2(LTBP4):c.1767C>A (p.Cys589Ter)

Gene: LTBP4 (latent transforming growth factor beta binding protein 4; plus strand). Cytogenetic location: 19q13.2.
Variant type: single nucleotide variant.
Coding change: c.1767C>A on transcript NM_001042545.2 (MANE Select); coding-DNA position 1767, C replaced by A.
Protein change: p.Cys589Ter; replaces cysteine 589 with a stop codon.
Molecular consequence: nonsense.
Genome position (GRCh38, 1-based): chr19:40,610,614, C>A. VCF-style: chr19-40610614-C-A. GRCh37 (hg19) VCF-style: chr19-41116520-C-A.
Other names: c.1968C>A, p.Cys656Ter (NM_001042544.1); c.1857C>A, p.Cys619Ter (NM_003573.2); short protein forms C589*, C619*, C656*.
Identifiers: ClinVar variation 2636951 (VCV002636951.1), dbSNP rs2146028500, ClinGen allele CA405937193.
Genomic context (GRCh38, chr19:40,610,614, plus strand): 5'-GCCGCCGCCGTGTGACCTCGGGCGCTGCGAGAACACGCCAGGCAGCTTCCTGTGCGTGTG[C>A]CCCGCCGGGTACCAGGCTGCACCGCACGGAGCCAGCTGCCAGGGTGAGGGCCTGGGAGGG-3'

ClinVar aggregate classification (germline): Likely pathogenic (1 of 4 stars; one submission).

Conditions:
LTBP4-related disorder. Also called: LTBP4-related condition.

Allele frequency attached by ClinVar (database versions not stated): gnomAD exomes below 0.00001.
gnomAD v4.1: 1 of 1,588,818 alleles (0.000063%); highest among the groups gnomAD compares: Non-Finnish European, 0.000085%; no homozygotes.

Submission:

PreventionGenetics, part of Exact Sciences
Classification: Likely pathogenic for LTBP4-related condition. Last evaluated: 2022-10-18. Review status: criteria provided, single submitter. Criteria: ACMG Guidelines, 2015. Collection method: clinical testing. Allele origin: germline.
Comment: The LTBP4 c.1857C>A variant is predicted to result in premature protein termination (p.Cys619*). To our knowledge, this variant has not been reported in the literature or in a large population database, indicating this variant is rare. However, nonsense variants in LTBP4 are expected to be pathogenic and therefore we interpret this variant as likely pathogenic.